The following is an entry in ClinVar:

ClinVar aggregate classification (germline): Uncertain significance (1 of 4 stars; one submission).

gnomAD v4.1: 1 of 1,613,716 alleles (0.000062%); highest among the groups gnomAD compares: Admixed American, 0.0017%; no homozygotes.

Submission:

Labcorp Genetics (formerly Invitae), Labcorp
Classification: Uncertain significance. Last evaluated: 2022-04-01. Review status: criteria provided, single submitter. Criteria: Invitae Variant Classification Sherloc (09022015). Collection method: clinical testing. Allele origin: germline.
Comment: Variants that disrupt the consensus splice site are a relatively common cause of aberrant splicing (PMID: 17576681, 9536098). Algorithms developed to predict the effect of sequence changes on RNA splicing suggest that this variant is not likely to affect RNA splicing. This variant has not been reported in the literature in individuals affected with DEAF1-related conditions. This variant is not present in population databases (gnomAD no frequency). This sequence change falls in intron 11 of the DEAF1 gene. It does not directly change the encoded amino acid sequence of the DEAF1 protein. It affects a nucleotide within the consensus splice site. In summary, the available evidence is currently insufficient to determine the role of this variant in disease. Therefore, it has been classified as a Variant of Uncertain Significance.

Literature cited by the submitters: PubMed 17576681; PubMed 9536098.

NM_021008.4(DEAF1):c.1593+5G>T

Gene: DEAF1 (DEAF1 transcription factor; minus strand). Cytogenetic location: 11p15.5.
Variant type: single nucleotide variant.
Coding change: c.1593+5G>T on transcript NM_021008.4 (MANE Select); 5 bases into the intron after coding-DNA position 1593, G replaced by T.
Molecular consequence: intron variant.
Genome position (GRCh38, 1-based): chr11:653,957, C>A on the plus strand (G>T on the coding strand, the complement: DEAF1 is on the minus strand). VCF-style: chr11-653957-C-A. GRCh37 (hg19) VCF-style: chr11-653957-C-A.
Other names: c.867+5G>T (NM_001367390.1, NM_001440885.1, NM_001440887.1 and 1 more transcripts); c.1368+5G>T (NM_001293634.2); c.1464+5G>T (NM_001440884.1); c.1504-9303G>T (NM_001440883.1).
Identifiers: ClinVar variation 2120499 (VCV002120499.4), dbSNP rs747284008, ClinGen allele CA2580083870.